The following is an entry in ClinVar:

ClinVar aggregate classification (germline): Uncertain significance (1 of 4 stars; one submission).

Conditions:
Cardiovascular phenotype. Identifiers: MedGen CN230736.

Allele frequency attached by ClinVar (database versions not stated): gnomAD exomes below 0.00001; TOPMed 0.00001.
gnomAD v4.1: 1 of 1,613,856 alleles (0.000062%); highest among the groups gnomAD compares: Non-Finnish European, 0.000085%; no homozygotes.

Submission:

Ambry Genetics
Classification: Uncertain significance for Cardiovascular phenotype. Last evaluated: 2023-07-10. Review status: criteria provided, single submitter. Criteria: Ambry Variant Classification Scheme 2023. Collection method: clinical testing. Allele origin: germline.
Comment: The p.V942I variant (also known as c.2824G>A), located in coding exon 19 of the TRPM4 gene, results from a G to A substitution at nucleotide position 2824. The valine at codon 942 is replaced by isoleucine, an amino acid with highly similar properties. This amino acid position is conserved. In addition, the in silico prediction for this alteration is inconclusive. Since supporting evidence is limited at this time, the clinical significance of this alteration remains unclear.

NM_017636.4(TRPM4):c.2824G>A (p.Val942Ile)

Gene: TRPM4 (transient receptor potential cation channel subfamily M member 4; plus strand). Cytogenetic location: 19q13.33.
Variant type: single nucleotide variant.
Coding change: c.2824G>A on transcript NM_017636.4 (MANE Select); coding-DNA position 2824, G replaced by A.
Protein change: p.Val942Ile; replaces valine 942 with isoleucine.
Molecular consequence: missense variant.
Genome position (GRCh38, 1-based): chr19:49,200,656, G>A. VCF-style: chr19-49200656-G-A. GRCh37 (hg19) VCF-style: chr19-49703913-G-A.
Other names: c.2389G>A, p.Val797Ile (NM_001195227.2); c.2479G>A, p.Val827Ile (NM_001321281.2); c.1216G>A, p.Val406Ile (NM_001321282.2); c.2302G>A, p.Val768Ile (NM_001321283.2); c.1762G>A, p.Val588Ile (NM_001321285.2); short protein forms V768I, V797I, V588I, V406I, V827I, V942I.
Identifiers: ClinVar variation 2625618 (VCV002625618.2), dbSNP rs777121141, ClinGen allele CA406811760.